The following is an entry in ClinVar:

NM_144997.7(FLCN):c.552C>T (p.Asn184=)

Gene: FLCN (folliculin; minus strand). Cytogenetic location: 17p11.2.
Variant type: single nucleotide variant.
Coding change: c.552C>T on transcript NM_144997.7 (MANE Select); coding-DNA position 552, C replaced by T.
Protein change: p.Asn184=; no amino-acid change (asparagine 184 retained).
Molecular consequence: synonymous variant.
Genome position (GRCh38, 1-based): chr17:17,223,988, G>A on the plus strand (C>T on the coding strand, the complement: FLCN is on the minus strand). VCF-style: chr17-17223988-G-A. GRCh37 (hg19) VCF-style: chr17-17127302-G-A.
Other names: c.606C>T, p.Asn202= (NM_001353229.2); c.552C>T, p.Asn184= (NM_001353230.2, NM_001353231.2, NM_144606.7).
Identifiers: ClinVar variation 2624773 (VCV002624773.3), dbSNP rs143525924, ClinGen allele CA498166168.

ClinVar aggregate classification (germline): Benign/Likely benign. Review status: criteria provided, multiple submitters, no conflicts (2 of 4 stars). 2 submissions from 2 submitters: Benign (1); Likely benign (1). Last evaluated 2024-10-23.

Conditions:
Birt-Hogg-Dube syndrome 1 (BHD1). Also called: FIBROFOLLICULOMAS WITH TRICHODISCOMAS AND ACROCHORDONS. Identifiers: Orphanet 122, MedGen CN375946, MONDO:0800445, OMIM 135150.
Hereditary cancer-predisposing syndrome. Also called: Tumor predisposition; Hereditary Cancer Syndrome; Hereditary neoplastic syndrome; Neoplastic Syndromes, Hereditary. Identifiers: Orphanet 140162, MedGen C0027672, MeSH D009386, MONDO:0015356.

Submissions (2):

Myriad Genetics, Inc.
Classification: Benign for Birt-Hogg-Dube syndrome 1. Last evaluated: 2024-10-23. Review status: criteria provided, single submitter. Criteria: Myriad Autosomal Dominant, Autosomal Recessive and X-Linked Classification Criteria (2023). Collection method: clinical testing. Allele origin: unknown.
Comment: This variant is considered benign. This variant is a silent/synonymous amino acid change and it is not expected to impact splicing.

Ambry Genetics
Classification: Likely benign for Hereditary cancer-predisposing syndrome. Last evaluated: 2023-08-31. Review status: criteria provided, single submitter. Criteria: Ambry Variant Classification Scheme 2023. Collection method: clinical testing. Allele origin: germline.